The following is an entry in ClinVar:

NM_005559.4(LAMA1):c.8494G>T (p.Val2832Leu)

Gene: LAMA1 (laminin subunit alpha 1; minus strand). Cytogenetic location: 18p11.31.
Variant type: single nucleotide variant.
Coding change: c.8494G>T on transcript NM_005559.4 (MANE Select); coding-DNA position 8494, G replaced by T.
Protein change: p.Val2832Leu; replaces valine 2832 with leucine.
Molecular consequence: missense variant.
Genome position (GRCh38, 1-based): chr18:6,949,163, C>A on the plus strand (G>T on the coding strand, the complement: LAMA1 is on the minus strand). VCF-style: chr18-6949163-C-A. GRCh37 (hg19) VCF-style: chr18-6949162-C-A.
Other names: c.8494G>T (NM_005559.3); short protein forms V2832L.
Identifiers: ClinVar variation 1499544 (VCV001499544.8), dbSNP rs1043223457, ClinGen allele CA295771127.

ClinVar aggregate classification (germline): Uncertain significance. Review status: criteria provided, multiple submitters, no conflicts (2 of 4 stars). 2 submissions from 2 submitters: Uncertain significance (2). Last evaluated 2024-12-11.

Conditions:
Inborn genetic diseases. Identifiers: MedGen C0950123, MeSH D030342.

Allele frequency attached by ClinVar (database versions not stated): gnomAD exomes below 0.00001; gnomAD 0.00001.
gnomAD v4.1: 2 of 1,614,076 alleles (0.00012%); highest among the groups gnomAD compares: Admixed American, 0.0033%; no homozygotes.

Submissions (2):

Ambry Genetics
Classification: Uncertain significance for Inborn genetic diseases. Last evaluated: 2024-12-11. Review status: criteria provided, single submitter. Criteria: Ambry Variant Classification Scheme 2023. Collection method: clinical testing. Allele origin: germline.

Labcorp Genetics (formerly Invitae), Labcorp
Classification: Uncertain significance. Last evaluated: 2024-11-11. Review status: criteria provided, single submitter. Criteria: Invitae Variant Classification Sherloc (09022015). Collection method: clinical testing. Allele origin: germline.
Comment: This sequence change replaces valine, which is neutral and non-polar, with leucine, which is neutral and non-polar, at codon 2832 of the LAMA1 protein (p.Val2832Leu). This variant is not present in population databases (gnomAD no frequency). This variant has not been reported in the literature in individuals affected with LAMA1-related conditions. ClinVar contains an entry for this variant (Variation ID: 1499544). Invitae Evidence Modeling of protein sequence and biophysical properties (such as structural, functional, and spatial information, amino acid conservation, physicochemical variation, residue mobility, and thermodynamic stability) indicates that this missense variant is expected to disrupt LAMA1 protein function with a positive predictive value of 80%. In summary, the available evidence is currently insufficient to determine the role of this variant in disease. Therefore, it has been classified as a Variant of Uncertain Significance.